The following is an entry in ClinVar:

ClinVar aggregate classification (germline): Uncertain significance (1 of 4 stars; one submission).

Submission:

GeneDx
Classification: Uncertain significance. Last evaluated: 2024-10-17. Review status: criteria provided, single submitter. Criteria: GeneDx Variant Classification Process June 2021. Collection method: clinical testing. Allele origin: germline. Affected: yes.
Comment: Not observed at significant frequency in large population cohorts (gnomAD); In silico analysis supports that this missense variant has a deleterious effect on protein structure/function; Has not been previously published as pathogenic or benign to our knowledge

NM_001733.7(C1R):c.977C>T (p.Pro326Leu)

Gene: C1R (complement C1r; minus strand). Cytogenetic location: 12p13.31.
Variant type: single nucleotide variant.
Coding change: c.977C>T on transcript NM_001733.7 (MANE Select); coding-DNA position 977, C replaced by T.
Protein change: p.Pro326Leu; replaces proline 326 with leucine.
Molecular consequence: missense variant.
Genome position (GRCh38, 1-based): chr12:7,088,671, G>A on the plus strand (C>T on the coding strand, the complement: C1R is on the minus strand). VCF-style: chr12-7088671-G-A. GRCh37 (hg19) VCF-style: chr12-7241267-G-A.
Other names: c.1019C>T, p.Pro340Leu (NM_001354346.2); short protein forms P340L, P326L.
Identifiers: ClinVar variation 3781061 (VCV003781061.1).
Genomic context (GRCh38, chr12:7,088,671, plus strand): 5'-TCTATGAGCTGGTAGCCTTGCTTGCAGGTAGCAATGAAGTAGTCACGGAACTGGTACTGA[G>A]GCTGCAGGTTCTGGATGATGGTGAACTCGTCTAGGGTCTTGGGCTGGGGGCACTTGATGA-3'
Protein context (NP_001724.4, residues 316-336): DEFTIIQNLQ[Pro326Leu]QYQFRDYFIA